The following is an entry in ClinVar:

ClinVar aggregate classification (germline): Uncertain significance (1 of 4 stars; one submission).

Allele frequency attached by ClinVar (database versions not stated): TOPMed below 0.00001.
gnomAD v4.1: 33 of 1,613,948 alleles (0.002%); highest among the groups gnomAD compares: East Asian, 0.0067%; no homozygotes.

Submission:

Labcorp Genetics (formerly Invitae), Labcorp
Classification: Uncertain significance. Last evaluated: 2025-11-04. Review status: criteria provided, single submitter. Criteria: Invitae Variant Classification Sherloc (09022015). Collection method: clinical testing. Allele origin: germline.
Comment: This sequence change replaces arginine, which is basic and polar, with histidine, which is basic and polar, at codon 393 of the SIAE protein (p.Arg393His). This variant is present in population databases (rs552372846, gnomAD 0.02%). This missense change has been observed in individual(s) with systemic lupus erythematosus (PMID: 20555325). ClinVar contains an entry for this variant (Variation ID: 2735783). An algorithm developed to predict the effect of missense changes on protein structure and function (PolyPhen-2) suggests that this variant is likely to be disruptive. Experimental studies have shown that this missense change affects SIAE function (PMID: 20555325). In summary, the available evidence is currently insufficient to determine the role of this variant in disease. Therefore, it has been classified as a Variant of Uncertain Significance.

Literature cited by the submitters: PubMed 20555325.

NM_170601.5(SIAE):c.1178G>A (p.Arg393His)

Gene: SIAE (sialic acid acetylesterase; minus strand). Cytogenetic location: 11q24.2.
Variant type: single nucleotide variant.
Coding change: c.1178G>A on transcript NM_170601.5 (MANE Select); coding-DNA position 1178, G replaced by A.
Protein change: p.Arg393His; replaces arginine 393 with histidine.
Molecular consequence: missense variant.
Genome position (GRCh38, 1-based): chr11:124,638,684, C>T on the plus strand (G>A on the coding strand, the complement: SIAE is on the minus strand). VCF-style: chr11-124638684-C-T. GRCh37 (hg19) VCF-style: chr11-124508580-C-T.
Other names: c.1073G>A, p.Arg358His (NM_001199922.2); short protein forms R358H, R393H.
Identifiers: ClinVar variation 2735783 (VCV002735783.3), dbSNP rs552372846, ClinGen allele CA6341262.
Genomic context (GRCh38, chr11:124,638,684, plus strand): 5'-TCTATCTTCTCAGGCAGTGGTCCTTCAAAGGTCAAATTCTTCTCACCATAAGCCAGAGCA[C>T]GGGCCCCCAAATGCAGCCGATAAGCCACAGTCTGTTTATCTCGAGGGTGGATGCTACAGG-3'
Protein context (NP_733746.1, residues 383-403): TVAYRLHLGA[Arg393His]ALAYGEKNLT